The following is an entry in ClinVar:

ClinVar aggregate classification (germline): Uncertain significance (1 of 4 stars; one submission).

Conditions:
Congenital hyperammonemia, type I. Also called: Carbamoyl-phosphate synthase I deficiency; Carbamoyl phosphate synthetase I deficiency disease; CPS I DEFICIENCY; Carbamoyl phosphate synthetase 1 deficiency; Hyperammonemia due to carbamoyl phosphate synthetase 1 deficiency; CPS 1 deficiency. Identifiers: Orphanet 147, MedGen C4082171, MONDO:0009376, OMIM 237300.

Submission:

Labcorp Genetics (formerly Invitae), Labcorp
Classification: Uncertain significance for Congenital hyperammonemia, type I. Last evaluated: 2024-11-05. Review status: criteria provided, single submitter. Criteria: Invitae Variant Classification Sherloc (09022015). Collection method: clinical testing. Allele origin: germline.
Comment: This sequence change replaces isoleucine, which is neutral and non-polar, with threonine, which is neutral and polar, at codon 557 of the CPS1 protein (p.Ile557Thr). This variant is not present in population databases (gnomAD no frequency). This variant has not been reported in the literature in individuals affected with CPS1-related conditions. ClinVar contains an entry for this variant (Variation ID: 1973231). Invitae Evidence Modeling of protein sequence and biophysical properties (such as structural, functional, and spatial information, amino acid conservation, physicochemical variation, residue mobility, and thermodynamic stability) has been performed for this missense variant. However, the output from this modeling did not meet the statistical confidence thresholds required to predict the impact of this variant on CPS1 protein function. In summary, the available evidence is currently insufficient to determine the role of this variant in disease. Therefore, it has been classified as a Variant of Uncertain Significance.

NM_001875.5(CPS1):c.1670T>C (p.Ile557Thr)

Gene: CPS1 (carbamoyl-phosphate synthase 1; plus strand). Cytogenetic location: 2q34.
Variant type: single nucleotide variant.
Coding change: c.1670T>C on transcript NM_001875.5 (MANE Select); coding-DNA position 1670, T replaced by C.
Protein change: p.Ile557Thr; replaces isoleucine 557 with threonine.
Molecular consequence: missense variant. On other transcripts: non-coding transcript variant (2).
Genome position (GRCh38, 1-based): chr2:210,600,675, T>C. VCF-style: chr2-210600675-T-C. GRCh37 (hg19) VCF-style: chr2-211465399-T-C.
Other names: c.1670T>C, p.Ile557Thr (NM_001122633.3, NM_001369257.1); c.1703T>C, p.Ile568Thr (NM_001369256.1); short protein forms I557T, I568T.
Identifiers: ClinVar variation 1973231 (VCV001973231.4), dbSNP rs1698690539, ClinGen allele CA350436982.
Genomic context (GRCh38, chr2:210,600,675, plus strand): 5'-CAGTTGAGTCCATTATGGCTACGGAAGACAGGCAGCTGTTTTCAGATAAACTAAATGAGA[T>C]CAATGAAAAGATTGCTCCAAGTTTTGCAGTGGAATCGGTAAGGATTCTTTGCTTTGGAAA-3'
Protein context (NP_001866.2, residues 547-567): RQLFSDKLNE[Ile557Thr]NEKIAPSFAV